The following is an entry in ClinVar:

NM_000179.3(MSH6):c.186_187delinsA (p.Ser63fs)

Gene: MSH6 (mutS homolog 6; plus strand). Cytogenetic location: 2p16.3.
Variant type: Indel.
Coding change: c.186_187delinsA on transcript NM_000179.3 (MANE Select); coding-DNA positions 186 to 187, CT replaced by A.
Protein change: p.Ser63fs; shifts the reading frame from serine 63.
Molecular consequence: frameshift variant. On other transcripts: 5 prime UTR variant (7), non-coding transcript variant (5), intron variant (5).
Genome position (GRCh38, 1-based): chr2:47,783,419-47,783,420, CT replaced by A. VCF-style: chr2-47783419-CT-A. GRCh37 (hg19) VCF-style: chr2-48010558-CT-A.
Other names: c.186_187delinsA, p.Ser63fs (NM_001281492.2, NM_001406795.1, NM_001406796.1 and 9 more transcripts); c.-551_-550delinsA (NM_001281493.2, NM_001406811.1); c.-143_-142delinsA (NM_001406799.1); c.131_132delinsA, p.Ala44fs (NM_001406804.1); c.-743_-742delinsA (NM_001406807.1); c.-398_-397delinsA (NM_001406812.1); c.-809_-808delinsA (NM_001406814.1); c.-354_-353delinsA (NM_001406816.1); and 3 more; short protein forms A44fs, S63fs.
Identifiers: ClinVar variation 5024928 (VCV005024928.1).
Genomic context (GRCh38, chr2:47,783,419, plus strand): 5'-TTCCCCAGGCGGGGATGCGGCCTGGAGCGAGGCTGGGCCTGGGCCCAGGCCCTTGGCGCG[CT>A]CCGCGTCACCGCCCAAGGCGAAGAACCTCAACGGAGGGCTGCGGAGATCGGTAGCGCCTG-3'

ClinVar aggregate classification (germline): Pathogenic (1 of 4 stars; one submission).

Conditions:
Hereditary cancer-predisposing syndrome. Also called: Neoplastic Syndromes, Hereditary; Tumor predisposition; Hereditary neoplastic syndrome; Hereditary Cancer Syndrome. Identifiers: Orphanet 140162, MedGen C0027672, MeSH D009386, MONDO:0015356.

Submission:

Ambry Genetics
Classification: Pathogenic for Hereditary cancer-predisposing syndrome. Last evaluated: 2026-08-10. Review status: criteria provided, single submitter. Criteria: Ambry Variant Classification Scheme 2023. Collection method: clinical testing. Allele origin: germline.
Comment: The c.186_187delCTinsA pathogenic mutation, located in coding exon 1 of the MSH6 gene, results from the deletion of two nucleotides and insertion of one nucleotide causing a translational frameshift with a predicted alternate stop codon (p.S63Pfs*18). This variant is considered to be rare based on population cohorts in the Genome Aggregation Database (gnomAD). This alteration is expected to result in loss of function by premature protein truncation or nonsense-mediated mRNA decay. As such, this alteration is interpreted as a disease-causing mutation.